The following is an entry in ClinVar:

ClinVar aggregate classification (germline): Pathogenic (1 of 4 stars; one submission).

Conditions:
Renal hypomagnesemia 5 with ocular involvement. Also called: FHHNC WITH SEVERE OCULAR INVOLVEMENT; HYPOMAGNESEMIA, FAMILIAL, WITH HYPERCALCIURIA, NEPHROCALCINOSIS, AND SEVERE OCULAR INVOLVEMENT; MACULAR COLOBOMA, BILATERAL, WITH HYPERCALCIURIA; HYPOMAGNESEMIA 5, RENAL, WITH OR WITHOUT OCULAR INVOLVEMENT. Identifiers: Orphanet 2196, MedGen C4721891, MONDO:0009548, OMIM 248190.

Submission:

3billion
Classification: Pathogenic for Renal hypomagnesemia 5 with ocular involvement. Last evaluated: 2022-05-22. Review status: criteria provided, single submitter. Criteria: ACMG Guidelines, 2015. Collection method: clinical testing. Allele origin: germline. Affected: yes. Observed: 1 homozygote.
Comment: The variant is not observed in the gnomAD v2.1.1 dataset. Canonical splice site: predicted to alter splicing and result in a loss or disruption of normal protein function. Multiple pathogenic loss-of-function variants are reported downstream of the variant. Therefore, this variant is classified as pathogenic according to the recommendation of ACMG/AMP guideline.

NM_148960.3(CLDN19):c.474-1G>C

Gene: CLDN19 (claudin 19; minus strand). Cytogenetic location: 1p34.2.
Variant type: single nucleotide variant.
Coding change: c.474-1G>C on transcript NM_148960.3 (MANE Select); the canonical splice acceptor site of the intron before coding-DNA position 474, G replaced by C.
Molecular consequence: splice acceptor variant.
Genome position (GRCh38, 1-based): chr1:42,736,031, C>G on the plus strand (G>C on the coding strand, the complement: CLDN19 is on the minus strand). VCF-style: chr1-42736031-C-G. GRCh37 (hg19) VCF-style: chr1-43201702-C-G.
Other names: c.389-1G>C (NM_001185117.2); c.474-1G>C (NM_001123395.2).
Identifiers: ClinVar variation 1687613 (VCV001687613.1), dbSNP rs973088841, ClinGen allele CA339943457.